The following is an entry in ClinVar:

ClinVar aggregate classification (germline): Uncertain significance (1 of 4 stars; one submission).

Conditions:
Hypertrophic cardiomyopathy. Also called: HYPERTROPHIC MYOCARDIOPATHY. Identifiers: Orphanet 217569, MedGen C0007194, MeSH D002312, MONDO:0005045, HP:0001639.

Allele frequency attached by ClinVar (database versions not stated): gnomAD exomes below 0.00001; ExAC 0.00002; ESP Exome Variant Server 0.00008.
gnomAD v4.1: 5 of 1,611,854 alleles (0.00031%); highest among the groups gnomAD compares: Admixed American, 0.0067%; no homozygotes.

Submission:

Labcorp Genetics (formerly Invitae), Labcorp
Classification: Uncertain significance for Hypertrophic cardiomyopathy. Last evaluated: 2024-12-08. Review status: criteria provided, single submitter. Criteria: Invitae Variant Classification Sherloc (09022015). Collection method: clinical testing. Allele origin: germline.
Comment: This sequence change falls in intron 22 of the MYOM1 gene. It does not directly change the encoded amino acid sequence of the MYOM1 protein. It affects a nucleotide within the consensus splice site. This variant is present in population databases (rs367771030, gnomAD 0.009%). This variant has not been reported in the literature in individuals affected with MYOM1-related conditions. ClinVar contains an entry for this variant (Variation ID: 2149138). Variants that disrupt the consensus splice site are a relatively common cause of aberrant splicing (PMID: 17576681, 9536098). Algorithms developed to predict the effect of sequence changes on RNA splicing suggest that this variant is not likely to affect RNA splicing. In summary, the available evidence is currently insufficient to determine the role of this variant in disease. Therefore, it has been classified as a Variant of Uncertain Significance.

Literature cited by the submitters: PubMed 17576681; PubMed 9536098.

NM_003803.4(MYOM1):c.3418+6C>A

Gene: MYOM1 (myomesin 1; minus strand). Cytogenetic location: 18p11.31.
Variant type: single nucleotide variant.
Coding change: c.3418+6C>A on transcript NM_003803.4 (MANE Select); 6 bases into the intron after coding-DNA position 3418, C replaced by A.
Molecular consequence: intron variant.
Genome position (GRCh38, 1-based): chr18:3,112,292, G>T on the plus strand (C>A on the coding strand, the complement: MYOM1 is on the minus strand). VCF-style: chr18-3112292-G-T. GRCh37 (hg19) VCF-style: chr18-3112290-G-T.
Other names: c.3130+6C>A (NM_019856.2).
Identifiers: ClinVar variation 2149138 (VCV002149138.4), dbSNP rs367771030, ClinGen allele CA8874309.
Genomic context (GRCh38, chr18:3,112,292, plus strand): 5'-AGGCCGAACCTTAGTTCAGTATCTTACACAGATAGGATTAGTTTTAATGAAAAGGTGAAA[G>T]CCCACCTGGACGGGTCTCTGCCACAACAGGGCCAGCAAGGTCAGATGGCTTCCCAACTCC-3'